The following is an entry in ClinVar:

NM_000218.3(KCNQ1):c.1393+31357del

Genes: KCNQ1 (potassium voltage-gated channel subfamily Q member 1; plus strand), KCNQ1OT1 (KCNQ1 opposite strand/antisense transcript 1; minus strand). Cytogenetic location: 11p15.5.
Variant type: Deletion.
Coding change: c.1393+31357del on transcript NM_000218.3 (MANE Select); 31357 bases into the intron after coding-DNA position 1393, one base deleted (A; older notation c.1393+31357delA).
Molecular consequence: intron variant.
Genome position (GRCh38, 1-based): chr11:2,620,211, A deleted. VCF-style (leftmost placement, unchanged base first): chr11-2620210-TA-T. GRCh37 (hg19) VCF-style: chr11-2641440-TA-T.
Other names: c.1123+31357del (NM_001406837.1); c.1297+31357del (NM_001406836.1); c.853+31357del (NM_001406838.1); c.1012+31357del (NM_181798.2).
Identifiers: ClinVar variation 1694593 (VCV001694593.31), dbSNP rs1436044990, ClinGen allele CA597432568.

ClinVar aggregate classification (germline): Likely benign (1 of 4 stars; one submission).

Allele frequency attached by ClinVar (database versions not stated): gnomAD 0.00115 and 0.00116; 1000 Genomes Project 30x 0.00172; gnomAD exomes 0.00183.

Submission:

CeGaT Center for Human Genetics Tuebingen
Classification: Likely benign. Last evaluated: 2026-02-01. Review status: criteria provided, single submitter. Criteria: CeGaT Center For Human Genetics Tuebingen Variant Classification Criteria Version 2. Collection method: clinical testing. Allele origin: germline. Affected: yes. Observed: 4 variant alleles.
Comment: KCNQ1OT1: BS1